The following is an entry in ClinVar:

NM_004086.3(COCH):c.1167T>C (p.Phe389=)

Genes: COCH (cochlin; plus strand), COCH-AS1 (COCH antisense RNA 1; minus strand). Cytogenetic location: 14q12.
Variant type: single nucleotide variant.
Coding change: c.1167T>C on transcript NM_004086.3 (MANE Select); coding-DNA position 1167, T replaced by C.
Protein change: p.Phe389=; no amino-acid change (phenylalanine 389 retained).
Molecular consequence: synonymous variant. On other transcripts: non-coding transcript variant (1).
Genome position (GRCh38, 1-based): chr14:30,886,002, T>C. VCF-style: chr14-30886002-T-C. GRCh37 (hg19) VCF-style: chr14-31355208-T-C.
Other names: c.1167T>C, p.Phe389= (NM_001135058.2); c.1362T>C, p.Phe454= (NM_001347720.2).
Identifiers: ClinVar variation 504712 (VCV000504712.17), dbSNP rs77370101, ClinGen allele CA7143280.

ClinVar aggregate classification (germline): Benign/Likely benign. Review status: criteria provided, multiple submitters, no conflicts (2 of 4 stars). 5 submissions from 5 submitters: Benign (4); Likely benign (1). Last evaluated 2026-02-01.

Allele frequency attached by ClinVar (database versions not stated): gnomAD exomes 0.00040 and 0.00112; ExAC 0.00135; gnomAD 0.00428 and 0.00462; 1000 Genomes Project 0.00479; 1000 Genomes Project 30x 0.00484; TOPMed 0.00492; ESP Exome Variant Server 0.00569.
gnomAD v4.1: 1,260 of 1,614,234 alleles (0.078%); highest among the groups gnomAD compares: African/African-American, 1.5%; 6 homozygotes.

Submissions (5):

Labcorp Genetics (formerly Invitae), Labcorp
Classification: Benign. Last evaluated: 2026-02-01. Review status: criteria provided, single submitter. Criteria: Invitae Variant Classification Sherloc (09022015). Collection method: clinical testing. Allele origin: germline.

Blueprint Genetics
Classification: Likely benign. Last evaluated: 2024-08-28. Review status: criteria provided, single submitter. Criteria: ACMG Guidelines, 2015. Collection method: clinical testing. Allele origin: germline.

GeneDx
Classification: Benign. Last evaluated: 2020-03-17. Review status: criteria provided, single submitter. Criteria: GeneDx Variant Classification Process June 2021. Collection method: clinical testing. Allele origin: germline. Affected: yes.

Laboratory for Molecular Medicine, Mass General Brigham Personalized Medicine
Classification: Benign. Last evaluated: 2012-05-07. Review status: criteria provided, single submitter. Criteria: LMM Criteria. Collection method: clinical testing. Allele origin: germline. Observed: 2 variant alleles.
Comment: "Phe389Phe in Exon 11 of COCH: This variant is not expected to have clinical sig nificance because it does not alter an amino acid residue, is not located within the splice consensus sequence, and has been identified in 1.7% (63/3738) of Afr ican American chromosomes from a broad population by the NHLBI Exome Sequencing Project (dbSNP rs77370101)."

Breakthrough Genomics
Classification: Benign. Review status: criteria provided, single submitter. Criteria: ACMG Guidelines, 2015. Collection method: not provided. Allele origin: germline. Inheritance: Autosomal recessive inheritance. Affected: yes.